The following is an entry in ClinVar:

ClinVar aggregate classification (germline): Uncertain significance (1 of 4 stars; one submission).

Conditions:
Neuropathy, hereditary sensory and autonomic, type 2A (HSAN2A). Also called: ACROOSTEOLYSIS, GIACCAI TYPE; ACROOSTEOLYSIS, NEUROGENIC; MORVAN DISEASE; NEUROPATHY, CONGENITAL SENSORY; NEUROPATHY, HEREDITARY SENSORY RADICULAR, AUTOSOMAL RECESSIVE; NEUROPATHY, HEREDITARY SENSORY, TYPE IIA. Identifiers: Orphanet 970, MedGen C2752089, MONDO:0024309, OMIM 201300.
Pseudohypoaldosteronism type 2C (PHA2C). Also called: Pseudohypoaldosteronism Type IIC. Identifiers: Orphanet 757, Orphanet 88940, MedGen C1840391, MONDO:0013778, OMIM 614492.

Allele frequency attached by ClinVar (database versions not stated): TOPMed below 0.00001; gnomAD exomes 0.00001; ExAC 0.00002.
gnomAD v4.1: 12 of 1,614,128 alleles (0.00074%); highest among the groups gnomAD compares: Middle Eastern, 0.016%; no homozygotes.

Submission:

Labcorp Genetics (formerly Invitae), Labcorp
Classification: Uncertain significance for Neuropathy, hereditary sensory and autonomic, type 2A; Pseudohypoaldosteronism type 2C. Last evaluated: 2022-08-20. Review status: criteria provided, single submitter. Criteria: Invitae Variant Classification Sherloc (09022015). Collection method: clinical testing. Allele origin: germline.
Comment: This sequence change replaces arginine, which is basic and polar, with tryptophan, which is neutral and slightly polar, at codon 1352 of the WNK1 protein (p.Arg1352Trp). This variant is present in population databases (rs750612826, gnomAD 0.01%). In summary, the available evidence is currently insufficient to determine the role of this variant in disease. Therefore, it has been classified as a Variant of Uncertain Significance. Algorithms developed to predict the effect of missense changes on protein structure and function are either unavailable or do not agree on the potential impact of this missense change (SIFT: "Deleterious"; PolyPhen-2: "Not Available"; Align-GVGD: "Class C65"). This variant has not been reported in the literature in individuals affected with WNK1-related conditions.

NM_018979.4(WNK1):c.3298C>T (p.Arg1100Trp)

Gene: WNK1 (WNK lysine deficient protein kinase 1; plus strand). Cytogenetic location: 12p13.33.
Variant type: single nucleotide variant.
Coding change: c.3298C>T on transcript NM_018979.4 (MANE Select); coding-DNA position 3298, C replaced by T.
Protein change: p.Arg1100Trp; replaces arginine 1100 with tryptophan.
Molecular consequence: missense variant.
Genome position (GRCh38, 1-based): chr12:881,999, C>T. VCF-style: chr12-881999-C-T. GRCh37 (hg19) VCF-style: chr12-991165-C-T.
Other names: c.4078C>T, p.Arg1360Trp (NM_001184985.2); c.2557C>T, p.Arg853Trp (NM_014823.3); c.4054C>T, p.Arg1352Trp (NM_213655.5); short protein forms R1100W, R1352W, R853W, R1360W.
Identifiers: ClinVar variation 2164206 (VCV002164206.4), dbSNP rs750612826, ClinGen allele CA6382733.